The following is an entry in ClinVar:

NM_145691.4(ATPAF2):c.281G>A (p.Trp94Ter)

Gene: ATPAF2 (ATP synthase mitochondrial F1 complex assembly factor 2; minus strand). Cytogenetic location: 17p11.2.
Variant type: single nucleotide variant.
Coding change: c.281G>A on transcript NM_145691.4 (MANE Select); coding-DNA position 281, G replaced by A.
Protein change: p.Trp94Ter; replaces tryptophan 94 with a stop codon.
Molecular consequence: nonsense.
Genome position (GRCh38, 1-based): chr17:18,028,275, C>T on the plus strand (G>A on the coding strand, the complement: ATPAF2 is on the minus strand). VCF-style: chr17-18028275-C-T. GRCh37 (hg19) VCF-style: chr17-17931589-C-T.
Other names: short protein forms W94*.
Identifiers: ClinVar variation 4701159 (VCV004701159.1).

ClinVar aggregate classification (germline): Uncertain significance (1 of 4 stars; one submission).

gnomAD v4.1: 2 of 1,614,162 alleles (0.00012%); no homozygotes.

Submission:

Labcorp Genetics (formerly Invitae), Labcorp
Classification: Uncertain significance. Last evaluated: 2025-08-17. Review status: criteria provided, single submitter. Criteria: Invitae Variant Classification Sherloc (09022015). Collection method: clinical testing. Allele origin: germline.
Comment: This sequence change creates a premature translational stop signal (p.Trp94*) in the ATPAF2 gene. It is expected to result in an absent or disrupted protein product. However, the current clinical and genetic evidence is not sufficient to establish whether loss-of-function variants in ATPAF2 cause disease. This variant is not present in population databases (gnomAD no frequency). This variant has not been reported in the literature in individuals affected with ATPAF2-related conditions. In summary, the available evidence is currently insufficient to determine the role of this variant in disease. Therefore, it has been classified as a Variant of Uncertain Significance.